The following is an entry in ClinVar:

ClinVar aggregate classification (germline): Uncertain significance (1 of 4 stars; one submission).

Conditions:
Long QT syndrome (LQTS). Identifiers: MedGen C0023976, MeSH D008133, MONDO:0002442. Disease mechanism: loss of function. Inheritance: Various modes of inheritance.

Submission:

Labcorp Genetics (formerly Invitae), Labcorp
Classification: Uncertain significance for Long QT syndrome. Last evaluated: 2022-02-01. Review status: criteria provided, single submitter. Criteria: Invitae Variant Classification Sherloc (09022015). Collection method: clinical testing. Allele origin: unknown.
Comment: In summary, the available evidence is currently insufficient to determine the role of this variant in disease. Therefore, it has been classified as a Variant of Uncertain Significance. Experimental studies and prediction algorithms are not available or were not evaluated, and the functional significance of this variant is currently unknown. This variant has not been reported in the literature in individuals affected with SNTA1-related conditions. A copy number gain of the genomic region encompassing the full coding sequence of the SNTA1 gene has been identified. The boundaries of this event are unknown as they extend beyond the assayed region for this gene and therefore may encompass additional genes. As the precise location of this event is unknown, it may be in tandem or it may be located elsewhere in the genome.

NC_000020.10:g.(?_31996313)_(32031426_?)dup

Gene: SNTA1 (syntrophin alpha 1; minus strand). Cytogenetic location: 20q11.21.
Variant type: Duplication.
Identifiers: ClinVar variation 3248228 (VCV003248228.1).